The following is an entry in ClinVar:

NM_000350.3(ABCA4):c.4353-1G>C

Gene: ABCA4 (ATP binding cassette subfamily A member 4; minus strand). Cytogenetic location: 1p22.1.
Variant type: single nucleotide variant.
Coding change: c.4353-1G>C on transcript NM_000350.3 (MANE Select); the canonical splice acceptor site of the intron before coding-DNA position 4353, G replaced by C.
Molecular consequence: splice acceptor variant.
Genome position (GRCh38, 1-based): chr1:94,029,632, C>G on the plus strand (G>C on the coding strand, the complement: ABCA4 is on the minus strand). VCF-style: chr1-94029632-C-G. GRCh37 (hg19) VCF-style: chr1-94495188-C-G.
Identifiers: ClinVar variation 2026757 (VCV002026757.4), dbSNP rs61750144, ClinGen allele CA341285379.

ClinVar aggregate classification (germline): Pathogenic (1 of 4 stars; one submission).

Submission:

Labcorp Genetics (formerly Invitae), Labcorp
Classification: Pathogenic. Last evaluated: 2023-01-13. Review status: criteria provided, single submitter. Criteria: Invitae Variant Classification Sherloc (09022015). Collection method: clinical testing. Allele origin: germline.
Comment: This variant is not present in population databases (gnomAD no frequency). For these reasons, this variant has been classified as Pathogenic. Algorithms developed to predict the effect of sequence changes on RNA splicing suggest that this variant may disrupt the consensus splice site. Disruption of this splice site has been observed in individual(s) with Stargardt disease (PMID: 32619608). This sequence change affects an acceptor splice site in intron 29 of the ABCA4 gene. It is expected to disrupt RNA splicing. Variants that disrupt the donor or acceptor splice site typically lead to a loss of protein function (PMID: 16199547), and loss-of-function variants in ABCA4 are known to be pathogenic (PMID: 10958761, 24938718, 25312043, 26780318).

Literature cited by the submitters: PubMed 32619608; PubMed 16199547; PubMed 10958761; PubMed 24938718; PubMed 25312043; PubMed 26780318.